The following is an entry in ClinVar:

ClinVar aggregate classification (germline): Uncertain significance. Review status: criteria provided, multiple submitters, no conflicts (2 of 4 stars). 2 submissions from 2 submitters: Uncertain significance (2). Last evaluated 2024-01-01.

Conditions:
Van Maldergem syndrome 2 (VMLDS2). Identifiers: Orphanet 314679, MedGen C3809875, MONDO:0014242, OMIM 615546.
Hennekam lymphangiectasia-lymphedema syndrome 2 (HKLLS2). Identifiers: Orphanet 2136, MedGen C4014939, MONDO:0014454, OMIM 616006.

Allele frequency attached by ClinVar (database versions not stated): gnomAD exomes below 0.00001; gnomAD 0.00001.
gnomAD v4.1: 3 of 1,613,958 alleles (0.00019%); highest among the groups gnomAD compares: South Asian, 0.0022%; no homozygotes.

Submissions (2):

Fulgent Genetics
Classification: Uncertain significance for Van Maldergem syndrome 2; Hennekam lymphangiectasia-lymphedema syndrome 2. Last evaluated: 2024-01-01. Review status: criteria provided, single submitter. Criteria: ACMG Guidelines, 2015. Collection method: clinical testing. Allele origin: germline.

Labcorp Genetics (formerly Invitae), Labcorp
Classification: Uncertain significance. Last evaluated: 2022-02-11. Review status: criteria provided, single submitter. Criteria: Invitae Variant Classification Sherloc (09022015). Collection method: clinical testing. Allele origin: germline.
Comment: In summary, the available evidence is currently insufficient to determine the role of this variant in disease. Therefore, it has been classified as a Variant of Uncertain Significance. Advanced modeling of protein sequence and biophysical properties (such as structural, functional, and spatial information, amino acid conservation, physicochemical variation, residue mobility, and thermodynamic stability) performed at Invitae indicates that this missense variant is not expected to disrupt FAT4 protein function. This variant has not been reported in the literature in individuals affected with FAT4-related conditions. This variant is not present in population databases (gnomAD no frequency). This sequence change replaces alanine, which is neutral and non-polar, with valine, which is neutral and non-polar, at codon 446 of the FAT4 protein (p.Ala446Val).

NM_001291303.3(FAT4):c.1337C>T (p.Ala446Val)

Gene: FAT4 (FAT atypical cadherin 4; plus strand). Cytogenetic location: 4q28.1.
Variant type: single nucleotide variant.
Coding change: c.1337C>T on transcript NM_001291303.3 (MANE Select); coding-DNA position 1337, C replaced by T.
Protein change: p.Ala446Val; replaces alanine 446 with valine.
Molecular consequence: missense variant.
Genome position (GRCh38, 1-based): chr4:125,317,748, C>T. VCF-style: chr4-125317748-C-T. GRCh37 (hg19) VCF-style: chr4-126238903-C-T.
Other names: c.1337C>T, p.Ala446Val (NM_001291285.3, NM_024582.6); c.1337C>T (NM_024582.5); short protein forms A446V.
Identifiers: ClinVar variation 1950933 (VCV001950933.6), dbSNP rs766302463, ClinGen allele CA358117697.